The following is an entry in ClinVar:

NM_033380.3(COL4A5):c.2344_2345insG (p.Pro782fs)

Gene: COL4A5 (collagen type IV alpha 5 chain; plus strand). Cytogenetic location: Xq22.3.
Variant type: Insertion.
Coding change: c.2344_2345insG on transcript NM_033380.3 (MANE Select); coding-DNA positions 2344 to 2345, G inserted.
Protein change: p.Pro782fs; shifts the reading frame from proline 782.
Molecular consequence: frameshift variant.
Genome position: GRCh38 VCF-style: chrX-108606841-C-CG. GRCh37 (hg19) VCF-style: chrX-107850071-C-CG.
Other names: c.2344_2345insG, p.Pro782fs (NM_000495.5); short protein forms P782fs.
Identifiers: ClinVar variation 988111 (VCV000988111.1), dbSNP rs2066736944, ClinGen allele CA2450691483.

ClinVar aggregate classification (germline): Likely pathogenic (0 of 4 stars; one submission).

Conditions:
Nephrotic syndrome. Identifiers: MedGen C0027726, MONDO:0005377, HP:0000100.

Submission:

Sydney Genome Diagnostics, Children's Hospital Westmead
Classification: Likely pathogenic for Nephrotic syndrome. Last evaluated: 2018-04-27. Review status: no assertion criteria provided. Collection method: clinical testing. Allele origin: unknown. Affected: yes. Observed: 1 variant allele, 1 hemizygote.
Comment: This frameshifting variant is predicted to create a premature stop codon p.(Pro782Argfs*19) and may result in a null allele due to nonsense-mediated mRNA decay. The variant has not been reported in any population databases (i.e. gnomAD, ExAC, ESP or dbSNP). To our knowledge, this variant has not been previously reported in the literature or any disease specific databases. However, other truncating variants downstream of this amino acid have been described in ClinVar ([gene]). This variant is considered to be likely pathogenic according to the ACMG guidelines.